The following is an entry in ClinVar:

NM_004006.3(DMD):c.2674A>G (p.Ile892Val)

Gene: DMD (dystrophin; minus strand). Cytogenetic location: Xp21.1.
Variant type: single nucleotide variant.
Coding change: c.2674A>G on transcript NM_004006.3 (MANE Select); coding-DNA position 2674, A replaced by G.
Protein change: p.Ile892Val; replaces isoleucine 892 with valine.
Molecular consequence: missense variant.
Genome position (GRCh38, 1-based): chrX:32,485,048, T>C on the plus strand (A>G on the coding strand, the complement: DMD is on the minus strand). VCF-style: chrX-32485048-T-C. GRCh37 (hg19) VCF-style: chrX-32503165-T-C.
Other names: c.2650A>G, p.Ile884Val (NM_000109.4); c.2662A>G, p.Ile888Val (NM_004009.3); c.2305A>G, p.Ile769Val (NM_004010.3); short protein forms I884V, I892V, I769V, I888V.
Identifiers: ClinVar variation 3634848 (VCV003634848.2).

ClinVar aggregate classification (germline): Uncertain significance (1 of 4 stars; one submission).

Conditions:
Duchenne muscular dystrophy (DMD). Also called: MUSCULAR DYSTROPHY, PSEUDOHYPERTROPHIC PROGRESSIVE, DUCHENNE TYPE; Duchenne Muscular Dystrophy (DMD). Identifiers: Orphanet 98896, MedGen C0013264, MONDO:0010679, OMIM 310200.

gnomAD v4.1: 1 of 1,211,441 alleles (0.000083%); highest among the groups gnomAD compares: Non-Finnish European, 0.00011%; no homozygotes.

Submission:

Labcorp Genetics (formerly Invitae), Labcorp
Classification: Uncertain significance for Duchenne muscular dystrophy. Last evaluated: 2024-02-26. Review status: criteria provided, single submitter. Criteria: Invitae Variant Classification Sherloc (09022015). Collection method: clinical testing. Allele origin: germline.
Comment: This sequence change replaces isoleucine, which is neutral and non-polar, with valine, which is neutral and non-polar, at codon 892 of the DMD protein (p.Ile892Val). This variant is not present in population databases (gnomAD no frequency). This variant has not been reported in the literature in individuals affected with DMD-related conditions. Advanced modeling of protein sequence and biophysical properties (such as structural, functional, and spatial information, amino acid conservation, physicochemical variation, residue mobility, and thermodynamic stability) performed at Invitae indicates that this missense variant is not expected to disrupt DMD protein function with a negative predictive value of 95%. In summary, the available evidence is currently insufficient to determine the role of this variant in disease. Therefore, it has been classified as a Variant of Uncertain Significance.